The following is an entry in ClinVar:

NM_173494.2(DNAAF6):c.293C>G (p.Ala98Gly)

Gene: DNAAF6 (dynein axonemal assembly factor 6; plus strand). Cytogenetic location: Xq22.3.
Variant type: single nucleotide variant.
Coding change: c.293C>G on transcript NM_173494.2 (MANE Select); coding-DNA position 293, C replaced by G.
Protein change: p.Ala98Gly; replaces alanine 98 with glycine.
Molecular consequence: missense variant.
Genome position (GRCh38, 1-based): chrX:107,218,930, C>G. VCF-style: chrX-107218930-C-G. GRCh37 (hg19) VCF-style: chrX-106462160-C-G.
Other names: c.293C>G, p.Ala98Gly (NM_001169154.2); short protein forms A98G.
Identifiers: ClinVar variation 2009530 (VCV002009530.4), dbSNP rs2522791855, ClinGen allele CA413888272.

ClinVar aggregate classification (germline): Uncertain significance (1 of 4 stars; one submission).

Submission:

Labcorp Genetics (formerly Invitae), Labcorp
Classification: Uncertain significance. Last evaluated: 2024-10-21. Review status: criteria provided, single submitter. Criteria: Invitae Variant Classification Sherloc (09022015). Collection method: clinical testing. Allele origin: germline.
Comment: This sequence change replaces alanine, which is neutral and non-polar, with glycine, which is neutral and non-polar, at codon 98 of the PIH1D3 protein (p.Ala98Gly). This variant is not present in population databases (gnomAD no frequency). This variant has not been reported in the literature in individuals affected with PIH1D3-related conditions. ClinVar contains an entry for this variant (Variation ID: 2009530). An algorithm developed to predict the effect of missense changes on protein structure and function outputs the following: PolyPhen-2: "Benign". The glycine amino acid residue is found in multiple mammalian species, which suggests that this missense change does not adversely affect protein function. In summary, the available evidence is currently insufficient to determine the role of this variant in disease. Therefore, it has been classified as a Variant of Uncertain Significance.